The following is an entry in ClinVar:

ClinVar aggregate classification (germline): Benign. Review status: criteria provided, multiple submitters, no conflicts (2 of 4 stars). 2 submissions from 2 submitters: Benign (2). Last evaluated 2018-06-18.

Allele frequency attached by ClinVar (database versions not stated): TOPMed 0.77373; 1000 Genomes Project 30x 0.80247; 1000 Genomes Project 0.81350; gnomAD 0.75971 and 0.76954.
gnomAD v4.1: 117,298 of 152,092 alleles (77%); highest among the groups gnomAD compares: East Asian, 100%; 46,549 homozygotes.

Submissions (2):

GeneDx
Classification: Benign. Last evaluated: 2018-06-18. Review status: criteria provided, single submitter. Criteria: GeneDx Variant Classification (06012015). Collection method: clinical testing. Allele origin: germline. Affected: yes.
Comment: This variant is considered likely benign or benign based on one or more of the following criteria: it is a conservative change, it occurs at a poorly conserved position in the protein, it is predicted to be benign by multiple in silico algorithms, and/or has population frequency not consistent with disease.

Breakthrough Genomics
Classification: Benign. Review status: criteria provided, single submitter. Criteria: ACMG Guidelines, 2015. Collection method: not provided. Allele origin: germline. Inheritance: Autosomal dominant inheritance. Affected: yes.

NM_001271.4(CHD2):c.4278+284G>T

Gene: CHD2 (chromodomain helicase DNA binding protein 2; plus strand). Cytogenetic location: 15q26.1.
Variant type: single nucleotide variant.
Coding change: c.4278+284G>T on transcript NM_001271.4 (MANE Select); 284 bases into the intron after coding-DNA position 4278, G replaced by T.
Molecular consequence: intron variant.
Genome position (GRCh38, 1-based): chr15:93,002,601, G>T. VCF-style: chr15-93002601-G-T. GRCh37 (hg19) VCF-style: chr15-93545831-G-T.
Identifiers: ClinVar variation 668082 (VCV000668082.2), dbSNP rs2033847, ClinGen allele CA14090909.